The following is an entry in ClinVar:

ClinVar aggregate classification (germline): Pathogenic/Likely pathogenic. Review status: criteria provided, multiple submitters, no conflicts (2 of 4 stars). 2 submissions from 2 submitters: Pathogenic (1); Likely pathogenic (1). Last evaluated 2026-02-18.

Conditions:
SHQ1-related disorder. Also called: SHQ1-Related Disorders; SHQ1-related condition.

gnomAD v4.1: 9 of 1,613,780 alleles (0.00056%); highest among the groups gnomAD compares: East Asian, 0.02%; no homozygotes.

Submissions (2):

PreventionGenetics, part of Exact Sciences
Classification: Likely pathogenic for SHQ1-related condition. Last evaluated: 2026-02-18. Review status: criteria provided, single submitter. Criteria: ACMG Guidelines, 2015. Collection method: clinical testing. Allele origin: germline.
Comment: The SHQ1 c.195T>A variant is predicted to result in premature protein termination (p.Tyr65*). This variant has reported in the compound heterozygous state in individuals with hypotonia and paroxysmal dystonia (Chi et al. 2023. PubMed ID: 36847845). This variant is reported in 0.055% of alleles in individuals of East Asian descent in gnomAD. In vivo and in vitro functional studies show that the p.Tyr65* variant impacts neuronal migration and leads to decreased protein expression (Chi et al. 2023. PubMed ID: 36847845; Chang et al. 2024. PubMed ID: 39326821). Although loss of function is currently not a well-documented mechanism of SHQ1-related disease, there is emerging evidence to support loss of function in SHQ1-related disorders (Sleiman et al. 2022. PubMed ID: 34542157; Chi et al. 2023. PubMed ID: 36847845). This variant is interpreted as likely pathogenic.

Ambry Genetics
Classification: Pathogenic. Last evaluated: 2025-11-24. Review status: criteria provided, single submitter. Criteria: Ambry Variant Classification Scheme 2023. Collection method: clinical testing. Allele origin: germline.
Comment: The c.195T>A (p.Y65*) alteration, located in coding exon 2 of the SHQ1 gene, consists of a T to A substitution at nucleotide position 195. This changes the amino acid from a tyrosine (Y) to a stop codon at amino acid position 65. This alteration is expected to result in loss of function by premature protein truncation or nonsense-mediated mRNA decay. Based on data from gnomAD, the A allele has an overall frequency of 0.004% (11/282688) total alleles studied. The highest observed frequency was 0.055% (11/19954) of East Asian alleles. This variant has been identified in conjunction with other SHQ1 variant(s) in individual(s) with features consistent with SHQ1-related neurodevelopmental disorder; in at least one instance, the variants were identified in trans (Chi, 2024; Ambry internal data). Based on the available evidence, this alteration is classified as pathogenic.

Literature cited by the submitters: PubMed 36847845 (cited by Ambry Genetics); PubMed 38789118 (cited by Ambry Genetics).

NM_018130.3(SHQ1):c.195T>A (p.Tyr65Ter)

Gene: SHQ1 (SHQ1, H/ACA ribonucleoprotein assembly factor; minus strand). Cytogenetic location: 3p13.
Variant type: single nucleotide variant.
Coding change: c.195T>A on transcript NM_018130.3 (MANE Select); coding-DNA position 195, T replaced by A.
Protein change: p.Tyr65Ter; replaces tyrosine 65 with a stop codon.
Molecular consequence: nonsense.
Genome position (GRCh38, 1-based): chr3:72,844,372, A>T on the plus strand (T>A on the coding strand, the complement: SHQ1 is on the minus strand). VCF-style: chr3-72844372-A-T. GRCh37 (hg19) VCF-style: chr3-72893523-A-T.
Other names: short protein forms Y65*.
Identifiers: ClinVar variation 4583633 (VCV004583633.2).